The following is an entry in ClinVar:

ClinVar aggregate classification (germline): Pathogenic (1 of 4 stars; one submission).

Submission:

GeneDx
Classification: Pathogenic. Last evaluated: 2017-10-17. Review status: criteria provided, single submitter. Criteria: GeneDx Variant Classification (06012015). Collection method: clinical testing. Allele origin: germline. Affected: yes.
Comment: The c.1234_1235insAA variant in the ZNF462 gene has not been reported previously as a pathogenic variant nor as a benign variant, to our knowledge. The c.1234_1235insAA variant causes a frameshift at codon Serine 412, resulting in the creation of a premature Stop codon, denoted p.S412X. This variant is predicted to cause loss of normal protein function either through protein truncation or nonsense-mediated mRNA decay. The c.1234_1235insAA variant is not observed in large population cohorts (Lek et al., 2016). We interpret c.1234_1235insAAas a pathogenic variant

NM_021224.6(ZNF462):c.1234_1235insAA (p.Ser412Ter)

Gene: ZNF462 (zinc finger protein 462; plus strand). Cytogenetic location: 9q31.2.
Variant type: Insertion.
Coding change: c.1234_1235insAA on transcript NM_021224.6 (MANE Select); coding-DNA positions 1234 to 1235, AA inserted.
Protein change: p.Ser412Ter; replaces serine 412 with a stop codon.
Molecular consequence: nonsense.
Genome position: GRCh38 VCF-style: chr9-106925146-T-TAA. GRCh37 (hg19) VCF-style: chr9-109687427-T-TAA.
Other names: c.1234_1235insAA, p.Ser412Ter (NM_001347997.2); short protein forms S412*.
Identifiers: ClinVar variation 452539 (VCV000452539.2), dbSNP rs1554703536, ClinGen allele CA658657895.